The following is an entry in ClinVar:

NM_014140.4(SMARCAL1):c.148A>G (p.Lys50Glu)

Gene: SMARCAL1 (SNF2 related chromatin remodeling annealing helicase 1; plus strand). Cytogenetic location: 2q35.
Variant type: single nucleotide variant.
Coding change: c.148A>G on transcript NM_014140.4 (MANE Select); coding-DNA position 148, A replaced by G.
Protein change: p.Lys50Glu; replaces lysine 50 with glutamic acid.
Molecular consequence: missense variant.
Genome position (GRCh38, 1-based): chr2:216,414,852, A>G. VCF-style: chr2-216414852-A-G. GRCh37 (hg19) VCF-style: chr2-217279575-A-G.
Other names: c.148A>G, p.Lys50Glu (NM_001127207.2); short protein forms K50E.
Identifiers: ClinVar variation 1367261 (VCV001367261.6), dbSNP rs2106014433, ClinGen allele CA350496643.

ClinVar aggregate classification (germline): Uncertain significance (1 of 4 stars; one submission).

Conditions:
Schimke immuno-osseous dysplasia (SIOD). Also called: Schimke Immunoosseous Dysplasia. Identifiers: Orphanet 1830, MedGen C0877024, MONDO:0009458, OMIM 242900.

Allele frequency attached by ClinVar (database versions not stated): gnomAD exomes below 0.00001.
gnomAD v4.1: 1 of 1,614,222 alleles (0.000062%); highest among the groups gnomAD compares: Admixed American, 0.0017%; no homozygotes.

Submission:

Labcorp Genetics (formerly Invitae), Labcorp
Classification: Uncertain significance for Schimke immuno-osseous dysplasia. Last evaluated: 2021-01-28. Review status: criteria provided, single submitter. Criteria: Invitae Variant Classification Sherloc (09022015). Collection method: clinical testing. Allele origin: germline.
Comment: In summary, the available evidence is currently insufficient to determine the role of this variant in disease. Therefore, it has been classified as a Variant of Uncertain Significance. Algorithms developed to predict the effect of missense changes on protein structure and function (SIFT, PolyPhen-2, Align-GVGD) all suggest that this variant is likely to be tolerated, but these predictions have not been confirmed by published functional studies and their clinical significance is uncertain. This variant has not been reported in the literature in individuals with SMARCAL1-related conditions. This variant is not present in population databases (ExAC no frequency). This sequence change replaces lysine with glutamic acid at codon 50 of the SMARCAL1 protein (p.Lys50Glu). The lysine residue is weakly conserved and there is a small physicochemical difference between lysine and glutamic acid.